The following is an entry in ClinVar:

NM_005188.4(CBL):c.1942-89T>A

Gene: CBL (Cbl proto-oncogene; plus strand). Cytogenetic location: 11q23.3.
Variant type: single nucleotide variant.
Coding change: c.1942-89T>A on transcript NM_005188.4 (MANE Select); 89 bases into the intron before coding-DNA position 1942, T replaced by A.
Molecular consequence: intron variant.
Genome position (GRCh38, 1-based): chr11:119,287,763, T>A. VCF-style: chr11-119287763-T-A. GRCh37 (hg19) VCF-style: chr11-119158473-T-A.
Identifiers: ClinVar variation 561461 (VCV000561461.2), dbSNP rs146904799, ClinGen allele CA229644288.

ClinVar aggregate classification (germline): Likely benign. Review status: criteria provided, multiple submitters, no conflicts (2 of 4 stars). 2 submissions from 2 submitters: Likely benign (2). Last evaluated 2018-06-19.

Allele frequency attached by ClinVar (database versions not stated): gnomAD exomes 0.00283; gnomAD 0.00547 and 0.00567; TOPMed 0.00611; 1000 Genomes Project 30x 0.00874; 1000 Genomes Project 0.00879.
gnomAD v4.1: 2,871 of 858,668 alleles (0.33%); highest among the groups gnomAD compares: African/African-American, 1.6%; 37 homozygotes.

Submissions (2):

GeneDx
Classification: Likely benign. Last evaluated: 2018-06-19. Review status: criteria provided, single submitter. Criteria: GeneDx Variant Classification (06012015). Collection method: clinical testing. Allele origin: germline. Affected: yes.
Comment: This variant is considered likely benign or benign based on one or more of the following criteria: it is a conservative change, it occurs at a poorly conserved position in the protein, it is predicted to be benign by multiple in silico algorithms, and/or has population frequency not consistent with disease.

Breakthrough Genomics
Classification: Likely benign. Review status: criteria provided, single submitter. Criteria: ACMG Guidelines, 2015. Collection method: not provided. Allele origin: germline. Inheritance: Autosomal dominant inheritance. Affected: yes.